The following is an entry in ClinVar:

ClinVar aggregate classification (germline): Likely benign (0 of 4 stars; one submission).

Conditions:
KIF26B-related disorder. Also called: KIF26B-related condition.

Allele frequency attached by ClinVar (database versions not stated): gnomAD 0.00001; gnomAD exomes 0.00001; TOPMed 0.00001.
gnomAD v4.1: 28 of 1,613,948 alleles (0.0017%); highest among the groups gnomAD compares: East Asian, 0.0089%; no homozygotes.

Submission:

PreventionGenetics, part of Exact Sciences
Classification: Likely benign for KIF26B-related condition. Last evaluated: 2019-07-10. Review status: no assertion criteria provided. Collection method: clinical testing. Allele origin: germline.
Comment: This variant is classified as likely benign based on ACMG/AMP sequence variant interpretation guidelines (Richards et al. 2015 PMID: 25741868, with internal and published modifications).

NM_018012.4(KIF26B):c.582G>A (p.Leu194=)

Gene: KIF26B (kinesin family member 26B; plus strand). Cytogenetic location: 1q44.
Variant type: single nucleotide variant.
Coding change: c.582G>A on transcript NM_018012.4 (MANE Select); coding-DNA position 582, G replaced by A.
Protein change: p.Leu194=; no amino-acid change (leucine 194 retained).
Molecular consequence: synonymous variant.
Genome position (GRCh38, 1-based): chr1:245,366,950, G>A. VCF-style: chr1-245366950-G-A. GRCh37 (hg19) VCF-style: chr1-245530252-G-A.
Identifiers: ClinVar variation 3050816 (VCV003050816.2), dbSNP rs1198485011, ClinGen allele CA424411523.